The following is an entry in ClinVar:

NM_003072.5(SMARCA4):c.3546+3A>G

Gene: SMARCA4 (SWI/SNF related BAF chromatin remodeling complex subunit ATPase 4; plus strand). Cytogenetic location: 19p13.2.
Variant type: single nucleotide variant.
Coding change: c.3546+3A>G on transcript NM_003072.5 (MANE Select); 3 bases into the intron after coding-DNA position 3546, A replaced by G.
Molecular consequence: intron variant.
Genome position (GRCh38, 1-based): chr19:11,030,896, A>G. VCF-style: chr19-11030896-A-G. GRCh37 (hg19) VCF-style: chr19-11141572-A-G.
Other names: c.3546+3A>G (NM_001128844.3, NM_001128849.3, NM_001128847.4 and 4 more transcripts).
Identifiers: ClinVar variation 945286 (VCV000945286.7), dbSNP rs2074879994, ClinGen allele CA1139666279.

ClinVar aggregate classification (germline): Uncertain significance (1 of 4 stars; one submission).

Conditions:
Rhabdoid tumor predisposition syndrome 2 (RTPS2). Identifiers: Orphanet 231108, Orphanet 69077, MedGen C2750074, MONDO:0013224, OMIM 613325.

Submission:

Labcorp Genetics (formerly Invitae), Labcorp
Classification: Uncertain significance for Rhabdoid tumor predisposition syndrome 2. Last evaluated: 2025-04-17. Review status: criteria provided, single submitter. Criteria: Invitae Variant Classification Sherloc (09022015). Collection method: clinical testing. Allele origin: germline.
Comment: This sequence change falls in intron 25 of the SMARCA4 gene. It does not directly change the encoded amino acid sequence of the SMARCA4 protein. It affects a nucleotide within the consensus splice site. This variant is not present in population databases (gnomAD no frequency). This variant has not been reported in the literature in individuals affected with SMARCA4-related conditions. ClinVar contains an entry for this variant (Variation ID: 945286). Variants that disrupt the consensus splice site are a relatively common cause of aberrant splicing (PMID: 17576681, 9536098). Studies have shown that this variant is associated with inconclusive levels of altered splicing (internal data). In summary, the available evidence is currently insufficient to determine the role of this variant in disease. Therefore, it has been classified as a Variant of Uncertain Significance.

Literature cited by the submitters: PubMed 17576681; PubMed 9536098.